The following is an entry in ClinVar:

NM_004370.6(COL12A1):c.4345G>A (p.Glu1449Lys)

Gene: COL12A1 (collagen type XII alpha 1 chain; minus strand). Cytogenetic location: 6q13.
Variant type: single nucleotide variant.
Coding change: c.4345G>A on transcript NM_004370.6 (MANE Select); coding-DNA position 4345, G replaced by A.
Protein change: p.Glu1449Lys; replaces glutamic acid 1449 with lysine.
Molecular consequence: missense variant.
Genome position (GRCh38, 1-based): chr6:75,147,747, C>T on the plus strand (G>A on the coding strand, the complement: COL12A1 is on the minus strand). VCF-style: chr6-75147747-C-T. GRCh37 (hg19) VCF-style: chr6-75857463-C-T.
Other names: c.4345G>A, p.Glu1449Lys (NM_001424113.1, NM_001424114.1); c.4072G>A, p.Glu1358Lys (NM_001424115.1); c.853G>A, p.Glu285Lys (NM_001424116.1, NM_080645.3); short protein forms E1358K, E1449K, E285K.
Identifiers: ClinVar variation 4786173 (VCV004786173.1).

ClinVar aggregate classification (germline): Uncertain significance (1 of 4 stars; one submission).

Conditions:
Ullrich congenital muscular dystrophy 2 (UCMD2). Identifiers: Orphanet 75840, MedGen C4225314, MONDO:0014654, OMIM 616470.
Bethlem myopathy 2 (BTHLM2). Identifiers: Orphanet 536516, Orphanet 610, MedGen C4225313, MONDO:0034022, OMIM 616471.

gnomAD v4.1: 1 of 1,613,562 alleles (0.000062%); highest among the groups gnomAD compares: South Asian, 0.0011%; no homozygotes.

Submission:

Labcorp Genetics (formerly Invitae), Labcorp
Classification: Uncertain significance for Bethlem myopathy 2; Ullrich congenital muscular dystrophy 2. Last evaluated: 2025-03-31. Review status: criteria provided, single submitter. Criteria: Invitae Variant Classification Sherloc (09022015). Collection method: clinical testing. Allele origin: germline.
Comment: This sequence change replaces glutamic acid, which is acidic and polar, with lysine, which is basic and polar, at codon 1449 of the COL12A1 protein (p.Glu1449Lys). This variant is present in population databases (no rsID available, gnomAD 0.003%). This variant has not been reported in the literature in individuals affected with COL12A1-related conditions. Invitae Evidence Modeling of protein sequence and biophysical properties (such as structural, functional, and spatial information, amino acid conservation, physicochemical variation, residue mobility, and thermodynamic stability) indicates that this missense variant is not expected to disrupt COL12A1 protein function with a negative predictive value of 80%. In summary, the available evidence is currently insufficient to determine the role of this variant in disease. Therefore, it has been classified as a Variant of Uncertain Significance.